The following is an entry in ClinVar:

ClinVar aggregate classification (germline): Uncertain significance. Review status: criteria provided, multiple submitters, no conflicts (2 of 4 stars). 2 submissions from 2 submitters: Uncertain significance (2). Last evaluated 2025-03-05.

Conditions:
Renal cell carcinoma. Identifiers: Orphanet 217071, MedGen C0007134, MeSH D002292, MONDO:0005086, HP:0005584.
Hereditary cancer-predisposing syndrome. Also called: Hereditary Cancer Syndrome; Hereditary neoplastic syndrome; Neoplastic Syndromes, Hereditary; Tumor predisposition. Identifiers: Orphanet 140162, MedGen C0027672, MeSH D009386, MONDO:0015356.

Submissions (2):

Ambry Genetics
Classification: Uncertain significance for Hereditary cancer-predisposing syndrome. Last evaluated: 2025-03-05. Review status: criteria provided, single submitter. Criteria: Ambry Variant Classification Scheme 2023. Collection method: clinical testing. Allele origin: germline.
Comment: The p.C95Y variant (also known as c.284G>A), located in coding exon 1 of the MET gene, results from a G to A substitution at nucleotide position 284. The cysteine at codon 95 is replaced by tyrosine, an amino acid with highly dissimilar properties. This amino acid position is highly conserved in available vertebrate species. In addition, this alteration is predicted to be deleterious by in silico analysis. Based on the available evidence, the clinical significance of this variant remains unclear.

Labcorp Genetics (formerly Invitae), Labcorp
Classification: Uncertain significance for Renal cell carcinoma. Last evaluated: 2024-03-05. Review status: criteria provided, single submitter. Criteria: Invitae Variant Classification Sherloc (09022015). Collection method: clinical testing. Allele origin: germline.
Comment: This sequence change replaces cysteine, which is neutral and slightly polar, with tyrosine, which is neutral and polar, at codon 95 of the MET protein (p.Cys95Tyr). This variant is not present in population databases (gnomAD no frequency). This variant has not been reported in the literature in individuals affected with MET-related conditions. ClinVar contains an entry for this variant (Variation ID: 1926152). Advanced modeling of protein sequence and biophysical properties (such as structural, functional, and spatial information, amino acid conservation, physicochemical variation, residue mobility, and thermodynamic stability) performed at Invitae indicates that this missense variant is expected to disrupt MET protein function with a positive predictive value of 80%. In summary, the available evidence is currently insufficient to determine the role of this variant in disease. Therefore, it has been classified as a Variant of Uncertain Significance.

NM_000245.4(MET):c.284G>A (p.Cys95Tyr)

Gene: MET (MET proto-oncogene, receptor tyrosine kinase; plus strand). Cytogenetic location: 7q31.2.
Variant type: single nucleotide variant.
Coding change: c.284G>A on transcript NM_000245.4 (MANE Select); coding-DNA position 284, G replaced by A.
Protein change: p.Cys95Tyr; replaces cysteine 95 with tyrosine.
Molecular consequence: missense variant. On other transcripts: intron variant (1).
Genome position (GRCh38, 1-based): chr7:116,699,368, G>A. VCF-style: chr7-116699368-G-A. GRCh37 (hg19) VCF-style: chr7-116339422-G-A.
Other names: c.284G>A, p.Cys95Tyr (NM_001127500.3, NM_001324401.3); c.-91+26791G>A (NM_001324402.2); short protein forms C95Y.
Identifiers: ClinVar variation 1926152 (VCV001926152.8), dbSNP rs2116584878, ClinGen allele CA368968732.